The following is an entry in ClinVar:

NM_001330078.2(NRXN1):c.340T>G (p.Trp114Gly)

Gene: NRXN1 (neurexin 1; minus strand). Cytogenetic location: 2p16.3.
Variant type: single nucleotide variant.
Coding change: c.340T>G on transcript NM_001330078.2 (MANE Select); coding-DNA position 340, T replaced by G.
Protein change: p.Trp114Gly; replaces tryptophan 114 with glycine.
Molecular consequence: missense variant.
Genome position (GRCh38, 1-based): chr2:51,027,934, A>C on the plus strand (T>G on the coding strand, the complement: NRXN1 is on the minus strand). VCF-style: chr2-51027934-A-C. GRCh37 (hg19) VCF-style: chr2-51255072-A-C.
Other names: c.340T>G, p.Trp114Gly (NM_001135659.3, NM_001330077.2, NM_001330079.2 and 15 more transcripts); short protein forms W114G.
Identifiers: ClinVar variation 2850975 (VCV002850975.3), dbSNP rs2468079601, ClinGen allele CA346824209.
Genomic context (GRCh38, chr2:51,027,934, plus strand): 5'-CCACCTGGTCGATGAAGAGCGTGGTGTTGCGGAACTGGCGGCGGATGCGCACGCTGTGCC[A>C]GGCGCCGTCGTTAACCGGCGTGTCGGCCAGGAGCGTCGCAGGCTCAGCGCAGAAGATGGA-3'
Protein context (NP_001317007.1, residues 104-124): LADTPVNDGA[Trp114Gly]HSVRIRRQFR

ClinVar aggregate classification (germline): Uncertain significance (1 of 4 stars; one submission).

Conditions:
Pitt-Hopkins-like syndrome 2 (PTHSL2). Identifiers: Orphanet 221150, Orphanet 600663, MedGen C3280479, MONDO:0013690, OMIM 614325.

Submission:

Labcorp Genetics (formerly Invitae), Labcorp
Classification: Uncertain significance for Pitt-Hopkins-like syndrome 2. Last evaluated: 2023-03-30. Review status: criteria provided, single submitter. Criteria: Invitae Variant Classification Sherloc (09022015). Collection method: clinical testing. Allele origin: germline.
Comment: In summary, the available evidence is currently insufficient to determine the role of this variant in disease. Therefore, it has been classified as a Variant of Uncertain Significance. An algorithm developed to predict the effect of missense changes on protein structure and function (PolyPhen-2) suggests that this variant is likely to be disruptive. This variant has not been reported in the literature in individuals affected with NRXN1-related conditions. This variant is not present in population databases (gnomAD no frequency). This sequence change replaces tryptophan, which is neutral and slightly polar, with glycine, which is neutral and non-polar, at codon 114 of the NRXN1 protein (p.Trp114Gly).